The following is an entry in ClinVar:

NM_000601.6(HGF):c.401G>A (p.Arg134His)

Gene: HGF (hepatocyte growth factor; minus strand). Cytogenetic location: 7q21.11.
Variant type: single nucleotide variant.
Coding change: c.401G>A on transcript NM_000601.6 (MANE Select); coding-DNA position 401, G replaced by A.
Protein change: p.Arg134His; replaces arginine 134 with histidine.
Molecular consequence: missense variant.
Genome position (GRCh38, 1-based): chr7:81,757,270, C>T on the plus strand (G>A on the coding strand, the complement: HGF is on the minus strand). VCF-style: chr7-81757270-C-T. GRCh37 (hg19) VCF-style: chr7-81386586-C-T.
Other names: c.401G>A, p.Arg134His (NM_001010931.3, NM_001010932.3, NM_001010933.3 and 1 more transcripts); short protein forms R134H.
Identifiers: ClinVar variation 3391717 (VCV003391717.2).
Genomic context (GRCh38, chr7:81,757,270, plus strand): 5'-GAACTCCAGGGCTGACATTTGATGCCACTCTTAGTGATAGATACTGTTCCCTTGTAGCTG[C>T]GTCCTTTACCAATGATGCAGTTTCTAATGTAGTCTATTGAAGAAAGTAGATAAAATTATT-3'
Protein context (NP_000592.3, residues 124-144): YIRNCIIGKG[Arg134His]SYKGTVSITK

ClinVar aggregate classification (germline): Uncertain significance (1 of 4 stars; one submission).

gnomAD v4.1: 16 of 1,604,962 alleles (0.001%); highest among the groups gnomAD compares: South Asian, 0.0044%; no homozygotes.

Submission:

GeneDx
Classification: Uncertain significance. Last evaluated: 2026-08-19. Review status: criteria provided, single submitter. Criteria: GeneDx Variant Classification Process June 2021. Collection method: clinical testing. Allele origin: germline.
Comment: Not observed at significant frequency in large population cohorts (gnomAD); In silico analysis suggests that this missense variant does not alter protein structure/function; Has not been previously published as pathogenic or benign to our knowledge